The following is an entry in ClinVar:

ClinVar aggregate classification (germline): Uncertain significance (1 of 4 stars; one submission).

Submission:

CeGaT Center for Human Genetics Tuebingen
Classification: Uncertain significance. Last evaluated: 2026-05-01. Review status: criteria provided, single submitter. Criteria: CeGaT Center For Human Genetics Tuebingen Variant Classification Criteria Version 2. Collection method: clinical testing. Allele origin: germline. Affected: yes. Observed: 1 variant allele.
Comment: SYNE1: PM2

NM_182961.4(SYNE1):c.174A>C (p.Lys58Asn)

Gene: SYNE1 (spectrin repeat containing nuclear envelope protein 1; minus strand). Cytogenetic location: 6q25.2.
Variant type: single nucleotide variant.
Coding change: c.174A>C on transcript NM_182961.4 (MANE Select); coding-DNA position 174, A replaced by C.
Protein change: p.Lys58Asn; replaces lysine 58 with asparagine.
Molecular consequence: missense variant.
Genome position (GRCh38, 1-based): chr6:152,526,131, T>G on the plus strand (A>C on the coding strand, the complement: SYNE1 is on the minus strand). VCF-style: chr6-152526131-T-G. GRCh37 (hg19) VCF-style: chr6-152847266-T-G.
Other names: c.174A>C, p.Lys58Asn (NM_033071.5); short protein forms K58N.
Identifiers: ClinVar variation 4874936 (VCV004874936.2).